The following is an entry in ClinVar:

ClinVar aggregate classification (germline): Uncertain significance (1 of 4 stars; one submission).

Allele frequency attached by ClinVar (database versions not stated): TOPMed 0.00001; gnomAD 0.00004 and 0.00006; gnomAD exomes 0.00007 and 0.00017; ExAC 0.00023; 1000 Genomes Project 30x 0.00031; 1000 Genomes Project 0.00040.
gnomAD v4.1: 99 of 1,517,940 alleles (0.0065%); highest among the groups gnomAD compares: Middle Eastern, 0.018%; no homozygotes.

Submission:

Labcorp Genetics (formerly Invitae), Labcorp
Classification: Uncertain significance. Last evaluated: 2022-09-13. Review status: criteria provided, single submitter. Criteria: Invitae Variant Classification Sherloc (09022015). Collection method: clinical testing. Allele origin: germline.
Comment: In summary, the available evidence is currently insufficient to determine the role of this variant in disease. Therefore, it has been classified as a Variant of Uncertain Significance. Advanced modeling of protein sequence and biophysical properties (such as structural, functional, and spatial information, amino acid conservation, physicochemical variation, residue mobility, and thermodynamic stability) performed at Invitae indicates that this missense variant is not expected to disrupt SBF1 protein function. ClinVar contains an entry for this variant (Variation ID: 1425080). This variant has not been reported in the literature in individuals affected with SBF1-related conditions. This variant is present in population databases (rs551118949, gnomAD 0.1%). This sequence change replaces aspartic acid, which is acidic and polar, with asparagine, which is neutral and polar, at codon 1319 of the SBF1 protein (p.Asp1319Asn).

NM_002972.4(SBF1):c.3955G>A (p.Asp1319Asn)

Gene: SBF1 (SET binding factor 1; minus strand). Cytogenetic location: 22q13.33.
Variant type: single nucleotide variant.
Coding change: c.3955G>A on transcript NM_002972.4 (MANE Select); coding-DNA position 3955, G replaced by A.
Protein change: p.Asp1319Asn; replaces aspartic acid 1319 with asparagine.
Molecular consequence: missense variant.
Genome position (GRCh38, 1-based): chr22:50,456,623, C>T on the plus strand (G>A on the coding strand, the complement: SBF1 is on the minus strand). VCF-style: chr22-50456623-C-T. GRCh37 (hg19) VCF-style: chr22-50895052-C-T.
Other names: c.3880G>A, p.Asp1294Asn (NM_001365819.1); short protein forms D1294N, D1319N.
Identifiers: ClinVar variation 1425080 (VCV001425080.4), dbSNP rs551118949, ClinGen allele CA10316462.